The following is an entry in ClinVar:

ClinVar aggregate classification (germline): Uncertain significance. Review status: criteria provided, multiple submitters, no conflicts (2 of 4 stars). 2 submissions from 2 submitters: Uncertain significance (2). Last evaluated 2023-11-09.

Conditions:
Hereditary cancer-predisposing syndrome. Also called: Neoplastic Syndromes, Hereditary; Hereditary Cancer Syndrome; Tumor predisposition; Hereditary neoplastic syndrome. Identifiers: Orphanet 140162, MedGen C0027672, MeSH D009386, MONDO:0015356.
Familial cancer of breast. Also called: Hereditary breast cancer; BREAST CANCER, FAMILIAL; hereditary breast carcinoma. Identifiers: Orphanet 227535, MedGen C0346153, MONDO:0016419, OMIM 114480. Disease mechanism: loss of function.
Fanconi anemia complementation group J. Also called: BRIP1-Related Fanconi Anemia. Identifiers: Orphanet 84, MedGen C1836860, MONDO:0012187, OMIM 609054.

Submissions (2):

Ambry Genetics
Classification: Uncertain significance for Hereditary cancer-predisposing syndrome. Last evaluated: 2023-11-09. Review status: criteria provided, single submitter. Criteria: Ambry Variant Classification Scheme 2023. Collection method: clinical testing. Allele origin: germline.

Labcorp Genetics (formerly Invitae), Labcorp
Classification: Uncertain significance for Familial cancer of breast; Fanconi anemia complementation group J. Last evaluated: 2021-06-19. Review status: criteria provided, single submitter. Criteria: Invitae Variant Classification Sherloc (09022015). Collection method: clinical testing. Allele origin: germline.
Comment: This sequence change replaces lysine with arginine at codon 703 of the BRIP1 protein (p.Lys703Arg). The lysine residue is moderately conserved and there is a small physicochemical difference between lysine and arginine. This variant is not present in population databases (ExAC no frequency). This variant has not been reported in the literature in individuals with BRIP1-related conditions. Algorithms developed to predict the effect of missense changes on protein structure and function are either unavailable or do not agree on the potential impact of this missense change (SIFT: "Tolerated"; PolyPhen-2: "Probably Damaging"; Align-GVGD: "Class C0"). In summary, the available evidence is currently insufficient to determine the role of this variant in disease. Therefore, it has been classified as a Variant of Uncertain Significance.

NM_032043.3(BRIP1):c.2108A>G (p.Lys703Arg)

Gene: BRIP1 (BRCA1 interacting DNA helicase 1; minus strand). Cytogenetic location: 17q23.2.
Variant type: single nucleotide variant.
Coding change: c.2108A>G on transcript NM_032043.3 (MANE Select); coding-DNA position 2108, A replaced by G.
Protein change: p.Lys703Arg; replaces lysine 703 with arginine.
Molecular consequence: missense variant.
Genome position (GRCh38, 1-based): chr17:61,744,581, T>C on the plus strand (A>G on the coding strand, the complement: BRIP1 is on the minus strand). VCF-style: chr17-61744581-T-C. GRCh37 (hg19) VCF-style: chr17-59821942-T-C.
Other names: c.2108A>G (NM_032043.2); short protein forms K703R.
Identifiers: ClinVar variation 1461442 (VCV001461442.10), dbSNP rs756412722, ClinGen allele CA400483380.